The following is an entry in ClinVar:

ClinVar aggregate classification (germline): Conflicting classifications of pathogenicity. Review status: criteria provided, conflicting classifications (1 of 4 stars). 4 submissions from 4 submitters: Uncertain significance (2); Benign (1). 1 of the submissions does not count toward it. Last evaluated 2023-11-15.

Conditions:
Familial thoracic aortic aneurysm and aortic dissection (TAAD). Also called: Thoracic aortic aneurysms and dissections. Identifiers: Orphanet 91387, MedGen C4707243, MONDO:0019625.
FG syndrome (FGS). Identifiers: MedGen C0220769, MONDO:0002010.
MED12-Related Disorders. Also called: MED12-related condition; MED12-related disorder. Identifiers: MedGen CN381102.

Allele frequency attached by ClinVar (database versions not stated): ExAC 0.00001; gnomAD exomes 0.00001; TOPMed 0.00001; gnomAD 0.00002.
gnomAD v4.1: 13 of 1,208,136 alleles (0.0011%); highest among the groups gnomAD compares: Middle Eastern, 0.023%; no homozygotes.

Submissions (4):

Labcorp Genetics (formerly Invitae), Labcorp
Classification: Benign for FG syndrome. Last evaluated: 2023-11-15. Review status: criteria provided, single submitter. Criteria: Invitae Variant Classification Sherloc (09022015). Collection method: clinical testing. Allele origin: germline.

GeneDx
Classification: Uncertain significance. Last evaluated: 2023-09-01. Review status: criteria provided, single submitter. Criteria: GeneDx Variant Classification Process June 2021. Collection method: clinical testing. Allele origin: germline. Affected: yes.
Comment: Identified in one individual from a cohort of individuals with neurodevelopmental disorders, although specific clinical information was not provided for this individual (Aspromonte M et al.Research Square); Not observed at significant frequency in large population cohorts (gnomAD); In silico analysis supports that this missense variant has a deleterious effect on protein structure/function; This variant is associated with the following publications: (PMID: Aspromonte2023[Case Report])

Ambry Genetics
Classification: Uncertain significance for Familial thoracic aortic aneurysm and aortic dissection. Last evaluated: 2023-03-06. Review status: criteria provided, single submitter. Criteria: Ambry Variant Classification Scheme 2023. Collection method: clinical testing. Allele origin: germline.
Comment: The p.S665C variant (also known as c.1994C>G), located in coding exon 14 of the MED12 gene, results from a C to G substitution at nucleotide position 1994. The serine at codon 665 is replaced by cysteine, an amino acid with dissimilar properties. Based on data from gnomAD, the G allele has an overall frequency of 0.001% (2/181228) total alleles studied, with no hemizygotes observed. The highest observed frequency was 0.03% (2/7464) of Ashkenazi Jewish alleles. This amino acid position is well conserved in available vertebrate species. In addition, this alteration is predicted to be tolerated by in silico analysis. Since supporting evidence is limited at this time, the clinical significance of this alteration remains unclear.

PreventionGenetics, part of Exact Sciences
Classification: Uncertain significance for MED12-related condition. Last evaluated: 2024-07-23. Review status: no assertion criteria provided. Collection method: clinical testing. Allele origin: germline. Not counted in ClinVar's aggregate classification.
Comment: The MED12 c.1994C>G variant is predicted to result in the amino acid substitution p.Ser665Cys. To our knowledge, this variant has not been reported in the literature. This variant is reported in 0.027% of alleles in individuals of Ashkenazi Jewish descent in gnomAD, and is present in a total of three hemizygous individuals in gnomAD. This variant has conflicting classifications of benign and uncertain significance in ClinVar. Although we suspect that this variant may be benign, at this time, the clinical significance of this variant is uncertain due to the absence of conclusive functional and genetic evidence.

NM_005120.3(MED12):c.1994C>G (p.Ser665Cys)

Gene: MED12 (mediator complex subunit 12; plus strand). Cytogenetic location: Xq13.1.
Variant type: single nucleotide variant.
Coding change: c.1994C>G on transcript NM_005120.3 (MANE Select); coding-DNA position 1994, C replaced by G.
Protein change: p.Ser665Cys; replaces serine 665 with cysteine.
Molecular consequence: missense variant.
Genome position (GRCh38, 1-based): chrX:71,124,783, C>G. VCF-style: chrX-71124783-C-G. GRCh37 (hg19) VCF-style: chrX-70344633-C-G.
Other names: short protein forms S665C.
Identifiers: ClinVar variation 1339625 (VCV001339625.10), dbSNP rs764981858, ClinGen allele CA10444282.
Genomic context (GRCh38, chrX:71,124,783, plus strand): 5'-CCTAGGGCTAAAGCAACTTCGCTTATGTTCTATGCCCTCAGGATCCAGGGCTCTCAGAAT[C>G]TATGGACATTGACCCTAGTTCCAGTGTTCTCTTTGAGGACATGGAGAAGCCTGATTTCTC-3'
Protein context (NP_005111.2, residues 655-675): SKLEDPGLSE[Ser665Cys]MDIDPSSSVL